The following is an entry in ClinVar:

NM_004817.4(TJP2):c.3322-2A>C

Gene: TJP2 (tight junction protein 2; plus strand). Cytogenetic location: 9q21.11.
Variant type: single nucleotide variant.
Coding change: c.3322-2A>C on transcript NM_004817.4 (MANE Select); the canonical splice acceptor site of the intron before coding-DNA position 3322, A replaced by C.
Molecular consequence: splice acceptor variant.
Genome position (GRCh38, 1-based): chr9:69,252,813, A>C. VCF-style: chr9-69252813-A-C. GRCh37 (hg19) VCF-style: chr9-71867729-A-C.
Other names: c.2812-2A>C (NM_001170414.2); c.3247-2A>C (NM_001369870.1); c.3253-2A>C (NM_001369871.1); c.2881-2A>C (NM_201629.3); c.3211-2A>C (NM_001369872.1); c.2998-2A>C (NM_001369873.1); c.3223-2A>C (NM_001170415.1); c.3415-2A>C (NM_001170416.2); and 2 more.
Identifiers: ClinVar variation 632046 (VCV000632046.3), dbSNP rs41277909, ClinGen allele CA5073941.

ClinVar aggregate classification (germline): Uncertain significance (1 of 4 stars; one submission).

Allele frequency attached by ClinVar (database versions not stated): gnomAD 0.00001 and 0.00002; TOPMed 0.00002; ESP Exome Variant Server 0.00008; 1000 Genomes Project 30x 0.00016; 1000 Genomes Project 0.00020.
gnomAD v4.1: 84 of 1,614,064 alleles (0.0052%); highest among the groups gnomAD compares: Non-Finnish European, 0.0069%; no homozygotes.

Submission:

GeneDx
Classification: Uncertain significance. Last evaluated: 2021-03-25. Review status: criteria provided, single submitter. Criteria: GeneDx Variant Classification Process June 2021. Collection method: clinical testing. Allele origin: germline. Affected: yes.
Comment: Canonical splice site variant in a gene for which loss-of-function is a known mechanism of disease; Has not been previously published as pathogenic or benign to our knowledge